The following is an entry in ClinVar:

ClinVar aggregate classification (germline): Pathogenic (1 of 4 stars; one submission).

Conditions:
Senior-Loken syndrome 8 (SLSN8). Identifiers: Orphanet 3156, MedGen C4225376, MONDO:0014579, OMIM 616307.
Asphyxiating thoracic dystrophy 5 (SRTD5). Also called: SHORT-RIB THORACIC DYSPLASIA 5 WITH OR WITHOUT POLYDACTYLY; SHORT-RIB THORACIC DYSPLASIA 5 WITHOUT POLYDACTYLY. Identifiers: Orphanet 474, MedGen C3280598, MONDO:0013717, OMIM 614376.

Allele frequency attached by ClinVar (database versions not stated): gnomAD exomes below 0.00001.

Submission:

Labcorp Genetics (formerly Invitae), Labcorp
Classification: Pathogenic for Senior-Loken syndrome 8; Asphyxiating thoracic dystrophy 5. Last evaluated: 2022-02-23. Review status: criteria provided, single submitter. Criteria: Invitae Variant Classification Sherloc (09022015). Collection method: clinical testing. Allele origin: germline.
Comment: This sequence change creates a premature translational stop signal (p.Val235Thrfs*14) in the WDR19 gene. It is expected to result in an absent or disrupted protein product. Loss-of-function variants in WDR19 are known to be pathogenic (PMID: 22019273, 23559409, 23683095, 26275793, 27241786, 29068549). This variant is present in population databases (no rsID available, gnomAD 0.001%). This variant has not been reported in the literature in individuals affected with WDR19-related conditions. For these reasons, this variant has been classified as Pathogenic.

Literature cited by the submitters: PubMed 22019273; PubMed 23559409; PubMed 23683095; PubMed 26275793; PubMed 27241786; PubMed 29068549.

NM_025132.4(WDR19):c.697_701dup (p.Val235fs)

Gene: WDR19 (WD repeat domain 19; plus strand). Cytogenetic location: 4p14.
Variant type: Duplication.
Coding change: c.697_701dup on transcript NM_025132.4 (MANE Select); coding-DNA positions 697 to 701, 5 bases duplicated (AACAT; older notation c.697_701dupAACAT).
Protein change: p.Val235fs; shifts the reading frame from valine 235.
Molecular consequence: frameshift variant.
Genome position (GRCh38, 1-based): chr4:39,205,247-39,205,251, AACAT duplicated. VCF-style (leftmost placement, unchanged base first): chr4-39205246-C-CAACAT. GRCh37 (hg19) VCF-style: chr4-39206866-C-CAACAT.
Other names: c.217_221dup, p.Val75fs (NM_001317924.2); short protein forms V235fs, V75fs.
Identifiers: ClinVar variation 2102299 (VCV002102299.4), dbSNP rs1334092486, ClinGen allele CA550723010.